The following is an entry in ClinVar:

ClinVar aggregate classification (germline): Uncertain significance. Review status: criteria provided, multiple submitters, no conflicts (2 of 4 stars). 2 submissions from 2 submitters: Uncertain significance (2). Last evaluated 2022-03-16.

Conditions:
Welander distal myopathy (WDM). Also called: Gower's muscular dystrophy; Welander distal myopathy, Swedish type; Distal myopathy, Swedish type; MUSCULAR DYSTROPHY, DISTAL, LATE-ONSET, AUTOSOMAL DOMINANT. Identifiers: Orphanet 603, MedGen C0221054, MONDO:0011466, OMIM 604454.

Allele frequency attached by ClinVar (database versions not stated): ExAC 0.00001; TOPMed 0.00001; gnomAD 0.00003; gnomAD exomes 0.00003.
gnomAD v4.1: 42 of 1,613,482 alleles (0.0026%); highest among the groups gnomAD compares: Non-Finnish European, 0.0035%; no homozygotes.

Submissions (2):

Labcorp Genetics (formerly Invitae), Labcorp
Classification: Uncertain significance for Welander distal myopathy. Last evaluated: 2022-03-16. Review status: criteria provided, single submitter. Criteria: Invitae Variant Classification Sherloc (09022015). Collection method: clinical testing. Allele origin: germline.
Comment: In summary, the available evidence is currently insufficient to determine the role of this variant in disease. Therefore, it has been classified as a Variant of Uncertain Significance. Algorithms developed to predict the effect of missense changes on protein structure and function (SIFT, PolyPhen-2, Align-GVGD) all suggest that this variant is likely to be tolerated. This missense change has been observed in individual(s) with clinical features of amyotrophic lateral sclerosis and frontotemporal dementia (PMID: 29216908). The frequency data for this variant in the population databases is considered unreliable, as metrics indicate poor data quality at this position in the gnomAD database. This sequence change replaces methionine, which is neutral and non-polar, with isoleucine, which is neutral and non-polar, at codon 334 of the TIA1 protein (p.Met334Ile).

Revvity Omics, Revvity
Classification: Uncertain significance. Last evaluated: 2019-04-23. Review status: criteria provided, single submitter. Criteria: ACMG Guidelines, 2015. Collection method: clinical testing. Allele origin: germline.

Literature cited by the submitters: PubMed 29216908 (cited by Labcorp Genetics (formerly Invitae), Labcorp).

NM_022173.4(TIA1):c.1002G>A (p.Met334Ile)

Gene: TIA1 (TIA1 cytotoxic granule associated RNA binding protein; minus strand). Cytogenetic location: 2p13.3.
Variant type: single nucleotide variant.
Coding change: c.1002G>A on transcript NM_022173.4 (MANE Select); coding-DNA position 1002, G replaced by A.
Protein change: p.Met334Ile; replaces methionine 334 with isoleucine.
Molecular consequence: missense variant. On other transcripts: non-coding transcript variant (17).
Genome position (GRCh38, 1-based): chr2:70,214,381, C>T on the plus strand (G>A on the coding strand, the complement: TIA1 is on the minus strand). VCF-style: chr2-70214381-C-T. GRCh37 (hg19) VCF-style: chr2-70441513-C-T.
Other names: c.999G>A, p.Met333Ile (NM_001351508.2); c.975G>A, p.Met325Ile (NM_001351509.2); c.966G>A, p.Met322Ile (NM_001351510.2); c.891G>A, p.Met297Ile (NM_001351511.1); c.864G>A, p.Met288Ile (NM_001351512.1); c.858G>A, p.Met286Ile (NM_001351513.1); c.774G>A, p.Met258Ile (NM_001351514.2); c.699G>A, p.Met233Ile (NM_001351515.2); and 4 more; short protein forms M193I, M286I, M297I, M322I, M333I, M194I, M233I, M258I.
Identifiers: ClinVar variation 2203078 (VCV002203078.7), dbSNP rs747006488, ClinGen allele CA1697430.